The following is an entry in ClinVar:

ClinVar aggregate classification (germline): Uncertain significance. Review status: criteria provided, multiple submitters, no conflicts (2 of 4 stars). 2 submissions from 2 submitters: Uncertain significance (2). Last evaluated 2026-06-11.

Conditions:
Emery-Dreifuss muscular dystrophy 5, autosomal dominant (EDMD5). Also called: EMERY-DREIFUSS MUSCULAR DYSTROPHY 5. Identifiers: Orphanet 261, MedGen C2751805, MONDO:0013072, OMIM 612999.

Allele frequency attached by ClinVar (database versions not stated): gnomAD 0.00005; TOPMed 0.00004.
gnomAD v4.1: 12 of 1,613,598 alleles (0.00074%); highest among the groups gnomAD compares: African/African-American, 0.016%; no homozygotes.

Submissions (2):

Ambry Genetics
Classification: Uncertain significance. Last evaluated: 2026-06-11. Review status: criteria provided, single submitter. Criteria: Ambry Variant Classification Scheme 2023. Collection method: clinical testing. Allele origin: germline.

Labcorp Genetics (formerly Invitae), Labcorp
Classification: Uncertain significance for Emery-Dreifuss muscular dystrophy 5, autosomal dominant. Last evaluated: 2023-09-29. Review status: criteria provided, single submitter. Criteria: Invitae Variant Classification Sherloc (09022015). Collection method: clinical testing. Allele origin: germline.
Comment: This sequence change replaces alanine, which is neutral and non-polar, with aspartic acid, which is acidic and polar, at codon 2423 of the SYNE2 protein (p.Ala2423Asp). In summary, the available evidence is currently insufficient to determine the role of this variant in disease. Therefore, it has been classified as a Variant of Uncertain Significance. An algorithm developed to predict the effect of missense changes on protein structure and function (PolyPhen-2) suggests that this variant is likely to be tolerated. ClinVar contains an entry for this variant (Variation ID: 2407682). This variant has not been reported in the literature in individuals affected with SYNE2-related conditions. This variant is present in population databases (no rsID available, gnomAD 0.008%).

NM_182914.3(SYNE2):c.7268C>A (p.Ala2423Asp)

Gene: SYNE2 (spectrin repeat containing nuclear envelope protein 2; plus strand). Cytogenetic location: 14q23.2.
Variant type: single nucleotide variant.
Coding change: c.7268C>A on transcript NM_182914.3 (MANE Select); coding-DNA position 7268, C replaced by A.
Protein change: p.Ala2423Asp; replaces alanine 2423 with aspartic acid.
Molecular consequence: missense variant.
Genome position (GRCh38, 1-based): chr14:64,048,046, C>A. VCF-style: chr14-64048046-C-A. GRCh37 (hg19) VCF-style: chr14-64514764-C-A.
Other names: c.7268C>A, p.Ala2423Asp (NM_015180.6); short protein forms A2423D.
Identifiers: ClinVar variation 2407682 (VCV002407682.6), dbSNP rs936611771, ClinGen allele CA261835075.
Genomic context (GRCh38, chr14:64,048,046, plus strand): 5'-TTTATGTATTTCAGGATTCAGCTGTGGAAATGGCTATGTCAAAACAACTTTCTCTTAATG[C>A]TCAAGAAAGCATGAAAAACACTGAAGATGAGCGGAAAGTCAATGAGCTGCAAAATCAACC-3'
Protein context (NP_878918.2, residues 2413-2433): MAMSKQLSLN[Ala2423Asp]QESMKNTEDE